The following is an entry in ClinVar:

NM_001384732.1(CPLANE1):c.2132C>T (p.Ser711Leu)

Gene: CPLANE1 (ciliogenesis and planar polarity effector complex subunit 1; minus strand). Cytogenetic location: 5p13.2.
Variant type: single nucleotide variant.
Coding change: c.2132C>T on transcript NM_001384732.1 (MANE Select); coding-DNA position 2132, C replaced by T.
Protein change: p.Ser711Leu; replaces serine 711 with leucine.
Molecular consequence: missense variant.
Genome position (GRCh38, 1-based): chr5:37,226,463, G>A on the plus strand (C>T on the coding strand, the complement: CPLANE1 is on the minus strand). VCF-style: chr5-37226463-G-A. GRCh37 (hg19) VCF-style: chr5-37226565-G-A.
Other names: c.2132C>T, p.Ser711Leu (NM_023073.4); short protein forms S711L.
Identifiers: ClinVar variation 507650 (VCV000507650.22), dbSNP rs116237993, ClinGen allele CA3239057.

ClinVar aggregate classification (germline): Conflicting classifications of pathogenicity. Review status: criteria provided, conflicting classifications (1 of 4 stars). 4 submissions from 4 submitters: Uncertain significance (2); Benign (1); Likely benign (1). Last evaluated 2026-01-14.

Allele frequency attached by ClinVar (database versions not stated): gnomAD exomes 0.00009 and 0.00015; ExAC 0.00023; gnomAD 0.00074 and 0.00078; 1000 Genomes Project 30x 0.00078; TOPMed 0.00083; 1000 Genomes Project 0.00100.

Submissions (4):

Labcorp Genetics (formerly Invitae), Labcorp
Classification: Likely benign. Last evaluated: 2026-01-14. Review status: criteria provided, single submitter. Criteria: Invitae Variant Classification Sherloc (09022015). Collection method: clinical testing. Allele origin: germline.

GeneDx
Classification: Uncertain significance. Last evaluated: 2024-04-11. Review status: criteria provided, single submitter. Criteria: GeneDx Variant Classification Process June 2021. Collection method: clinical testing. Allele origin: germline. Affected: yes.
Comment: In silico analysis supports that this missense variant has a deleterious effect on protein structure/function; Has not been previously published as pathogenic or benign to our knowledge

Blueprint Genetics
Classification: Benign. Last evaluated: 2022-12-01. Review status: criteria provided, single submitter. Criteria: ACMG Guidelines, 2015. Collection method: clinical testing. Allele origin: germline.

Eurofins Ntd Llc (ga)
Classification: Uncertain significance. Last evaluated: 2017-11-10. Review status: criteria provided, single submitter. Criteria: EGL Classification Definitions 2015. Collection method: clinical testing. Allele origin: germline. Observed: 1 variant allele, 1 heterozygote.